The following is an entry in ClinVar:

NM_000095.3(COMP):c.1373A>G (p.Asp458Gly)

Gene: COMP (cartilage oligomeric matrix protein; minus strand). Cytogenetic location: 19p13.11.
Variant type: single nucleotide variant.
Coding change: c.1373A>G on transcript NM_000095.3 (MANE Select); coding-DNA position 1373, A replaced by G.
Protein change: p.Asp458Gly; replaces aspartic acid 458 with glycine.
Molecular consequence: missense variant.
Genome position (GRCh38, 1-based): chr19:18,786,081, T>C on the plus strand (A>G on the coding strand, the complement: COMP is on the minus strand). VCF-style: chr19-18786081-T-C. GRCh37 (hg19) VCF-style: chr19-18896891-T-C.
Other names: short protein forms D458G.
Identifiers: ClinVar variation 2709843 (VCV002709843.4), dbSNP rs2512847573, ClinGen allele CA404884845.

ClinVar aggregate classification (germline): Pathogenic/Likely pathogenic. Review status: criteria provided, multiple submitters, no conflicts (2 of 4 stars). 2 submissions from 2 submitters: Pathogenic (1); Likely pathogenic (1). Last evaluated 2023-07-19.

Conditions:
COMP-related disorder. Also called: COMP-related disorders; COMP-related condition.

Submissions (2):

Labcorp Genetics (formerly Invitae), Labcorp
Classification: Pathogenic. Last evaluated: 2023-07-19. Review status: criteria provided, single submitter. Criteria: Invitae Variant Classification Sherloc (09022015). Collection method: clinical testing. Allele origin: germline.
Comment: This sequence change replaces aspartic acid, which is acidic and polar, with glycine, which is neutral and non-polar, at codon 458 of the COMP protein (p.Asp458Gly). This variant is not present in population databases (gnomAD no frequency). This missense change has been observed in individual(s) with clinical features of COMP-related conditions (Invitae). In at least one individual the variant was observed to be de novo. Advanced modeling of protein sequence and biophysical properties (such as structural, functional, and spatial information, amino acid conservation, physicochemical variation, residue mobility, and thermodynamic stability) performed at Invitae indicates that this missense variant is expected to disrupt COMP protein function. This variant disrupts the p.Asp458 amino acid residue in COMP. Other variant(s) that disrupt this residue have been determined to be pathogenic (PMID: 21965141; Invitae). This suggests that this residue is clinically significant, and that variants that disrupt this residue are likely to be disease-causing. For these reasons, this variant has been classified as Pathogenic.

Blueprint Genetics
Classification: Likely pathogenic for COMP-related disorders. Last evaluated: 2018-02-19. Review status: criteria provided, single submitter. Criteria: ACMG Guidelines, 2015. Collection method: clinical testing. Allele origin: germline. Affected: yes. Observed: 1 variant allele.

Literature cited by the submitters: PubMed 21965141 (cited by Labcorp Genetics (formerly Invitae), Labcorp).